The following is an entry in ClinVar:

NM_004360.5(CDH1):c.1521C>T (p.Ser507=)

Gene: CDH1 (cadherin 1; plus strand). Cytogenetic location: 16q22.1.
Variant type: single nucleotide variant.
Coding change: c.1521C>T on transcript NM_004360.5 (MANE Select); coding-DNA position 1521, C replaced by T.
Protein change: p.Ser507=; no amino-acid change (serine 507 retained).
Molecular consequence: synonymous variant. On other transcripts: 5 prime UTR variant (2).
Genome position (GRCh38, 1-based): chr16:68,815,715, C>T. VCF-style: chr16-68815715-C-T. GRCh37 (hg19) VCF-style: chr16-68849618-C-T.
Other names: c.1521C>T (LRG_301t1); c.1338C>T, p.Ser446= (NM_001317184.2); c.-28C>T (NM_001317185.2); c.-299C>T (NM_001317186.2).
Identifiers: ClinVar variation 515657 (VCV000515657.15), dbSNP rs149687235, ClinGen allele CA8130088.

ClinVar aggregate classification (germline): Benign/Likely benign. Review status: criteria provided, multiple submitters, no conflicts (2 of 4 stars). 5 submissions from 5 submitters: Benign (1); Likely benign (4). Last evaluated 2025-12-26.

Conditions:
Hereditary cancer-predisposing syndrome. Also called: Neoplastic Syndromes, Hereditary; Tumor predisposition; Hereditary Cancer Syndrome; Hereditary neoplastic syndrome. Identifiers: Orphanet 140162, MedGen C0027672, MeSH D009386, MONDO:0015356.
Hereditary diffuse gastric adenocarcinoma (HDGC). Also called: DIFFUSE GASTRIC AND LOBULAR BREAST CANCER SYNDROME. Identifiers: Orphanet 26106, MedGen C1708349, MONDO:0007648, OMIM 137215.

Allele frequency attached by ClinVar (database versions not stated): ExAC 0.00001; TOPMed 0.00001; ESP Exome Variant Server 0.00008.

Submissions (5):

Labcorp Genetics (formerly Invitae), Labcorp
Classification: Likely benign for Hereditary diffuse gastric adenocarcinoma. Last evaluated: 2025-12-26. Review status: criteria provided, single submitter. Criteria: Invitae Variant Classification Sherloc (09022015). Collection method: clinical testing. Allele origin: germline.

Myriad Genetics, Inc.
Classification: Benign for Hereditary diffuse gastric adenocarcinoma. Last evaluated: 2024-09-19. Review status: criteria provided, single submitter. Criteria: Myriad Autosomal Dominant, Autosomal Recessive and X-Linked Classification Criteria (2023). Collection method: clinical testing. Allele origin: unknown.
Comment: This variant is considered benign. This variant is a silent/synonymous amino acid change and it is not expected to impact splicing.

Ambry Genetics
Classification: Likely benign for Hereditary cancer-predisposing syndrome. Last evaluated: 2020-08-05. Review status: criteria provided, single submitter. Criteria: Ambry Variant Classification Scheme 2023. Collection method: clinical testing. Allele origin: germline.

Color Diagnostics, LLC DBA Color Health
Classification: Likely benign for Hereditary cancer-predisposing syndrome. Last evaluated: 2019-07-30. Review status: criteria provided, single submitter. Criteria: ACMG Guidelines, 2015. Collection method: clinical testing. Allele origin: germline.

GeneDx
Classification: Likely benign. Last evaluated: 2018-02-16. Review status: criteria provided, single submitter. Criteria: GeneDx Variant Classification (06012015). Collection method: clinical testing. Allele origin: germline. Affected: yes.
Comment: This variant is considered likely benign or benign based on one or more of the following criteria: it is a conservative change, it occurs at a poorly conserved position in the protein, it is predicted to be benign by multiple in silico algorithms, and/or has population frequency not consistent with disease.